The following is an entry in ClinVar:

NM_004797.4(ADIPOQ):c.525C>G (p.Leu175=)

Genes: ADIPOQ (adiponectin, C1Q and collagen domain containing; plus strand), ADIPOQ-AS1 (ADIPOQ antisense RNA 1; minus strand). Cytogenetic location: 3q27.3.
Variant type: single nucleotide variant.
Coding change: c.525C>G on transcript NM_004797.4 (MANE Select); coding-DNA position 525, C replaced by G.
Protein change: p.Leu175=; no amino-acid change (leucine 175 retained).
Molecular consequence: synonymous variant. On other transcripts: non-coding transcript variant (1).
Genome position (GRCh38, 1-based): chr3:186,854,494, C>G. VCF-style: chr3-186854494-C-G. GRCh37 (hg19) VCF-style: chr3-186572283-C-G.
Other names: c.525C>G, p.Leu175= (NM_001177800.2).
Identifiers: ClinVar variation 3353003 (VCV003353003.1).

ClinVar aggregate classification (germline): Likely benign (0 of 4 stars; one submission).

Conditions:
ADIPOQ-related disorder. Also called: ADIPOQ-related condition.

Submission:

PreventionGenetics, part of Exact Sciences
Classification: Likely benign for ADIPOQ-related condition. Last evaluated: 2019-02-28. Review status: no assertion criteria provided. Collection method: clinical testing. Allele origin: germline.
Comment: This variant is classified as likely benign based on ACMG/AMP sequence variant interpretation guidelines (Richards et al. 2015 PMID: 25741868, with internal and published modifications).